The following is an entry in ClinVar:

NM_000053.4(ATP7B):c.1339C>T (p.Gln447Ter)

Gene: ATP7B (ATPase copper transporting beta; minus strand). Cytogenetic location: 13q14.3.
Variant type: single nucleotide variant.
Coding change: c.1339C>T on transcript NM_000053.4 (MANE Select); coding-DNA position 1339, C replaced by T.
Protein change: p.Gln447Ter; replaces glutamine 447 with a stop codon.
Molecular consequence: nonsense.
Genome position (GRCh38, 1-based): chr13:51,970,696, G>A on the plus strand (C>T on the coding strand, the complement: ATP7B is on the minus strand). VCF-style: chr13-51970696-G-A. GRCh37 (hg19) VCF-style: chr13-52544832-G-A.
Other names: c.1339C>T, p.Gln447Ter (NM_001005918.3, NM_001330578.2, NM_001330579.2); c.1006C>T, p.Gln336Ter (NM_001243182.2); short protein forms Q336*, Q447*.
Identifiers: ClinVar variation 1452660 (VCV001452660.6), dbSNP rs746637821, ClinGen allele CA388035967.

ClinVar aggregate classification (germline): Pathogenic (1 of 4 stars; one submission).

Conditions:
Wilson disease (WND). Also called: Wilson's disease. Identifiers: Orphanet 905, MedGen C0019202, MONDO:0010200, OMIM 277900. Disease mechanism: loss of function.

gnomAD v4.1: 1 of 1,614,136 alleles (0.000062%); highest among the groups gnomAD compares: Non-Finnish European, 0.000085%; no homozygotes.

Submission:

Labcorp Genetics (formerly Invitae), Labcorp
Classification: Pathogenic for Wilson disease. Last evaluated: 2021-05-17. Review status: criteria provided, single submitter. Criteria: Invitae Variant Classification Sherloc (09022015). Collection method: clinical testing. Allele origin: germline.
Comment: This sequence change creates a premature translational stop signal (p.Gln447*) in the ATP7B gene. It is expected to result in an absent or disrupted protein product. Loss-of-function variants in ATP7B are known to be pathogenic (PMID: 10441329, 16283883). This variant is not present in population databases (ExAC no frequency). This variant has not been reported in the literature in individuals with ATP7B-related conditions. For these reasons, this variant has been classified as Pathogenic.

Literature cited by the submitters: PubMed 10441329; PubMed 16283883.